The following is an entry in ClinVar:

ClinVar aggregate classification (germline): Uncertain significance (1 of 4 stars; one submission).

Conditions:
Hereditary cancer-predisposing syndrome. Also called: Neoplastic Syndromes, Hereditary; Tumor predisposition; Hereditary Cancer Syndrome; Hereditary neoplastic syndrome. Identifiers: Orphanet 140162, MedGen C0027672, MeSH D009386, MONDO:0015356.

Submission:

Ambry Genetics
Classification: Uncertain significance for Hereditary cancer-predisposing syndrome. Last evaluated: 2026-06-04. Review status: criteria provided, single submitter. Criteria: Ambry Variant Classification Scheme 2023. Collection method: clinical testing. Allele origin: germline.
Comment: The p.L294F variant (also known as c.882G>T), located in coding exon 6 of the CTNNA1 gene, results from a G to T substitution at nucleotide position 882. The leucine at codon 294 is replaced by phenylalanine, an amino acid with highly similar properties. This amino acid position is conserved. In addition, this alteration is predicted to be tolerated by in silico analysis. Based on the available evidence, the clinical significance of this variant remains unclear.

NM_001903.5(CTNNA1):c.882G>T (p.Leu294Phe)

Gene: CTNNA1 (catenin alpha 1; plus strand). Cytogenetic location: 5q31.2.
Variant type: single nucleotide variant.
Coding change: c.882G>T on transcript NM_001903.5 (MANE Select); coding-DNA position 882, G replaced by T.
Protein change: p.Leu294Phe; replaces leucine 294 with phenylalanine.
Molecular consequence: missense variant.
Genome position (GRCh38, 1-based): chr5:138,827,538, G>T. VCF-style: chr5-138827538-G-T. GRCh37 (hg19) VCF-style: chr5-138163227-G-T.
Other names: c.882G>T, p.Leu294Phe (NM_001290307.3, NM_001323982.2, NM_001323983.1 and 3 more transcripts); c.573G>T, p.Leu191Phe (NM_001290309.3); c.513G>T, p.Leu171Phe (NM_001290310.3); short protein forms L171F, L191F, L294F.
Identifiers: ClinVar variation 4869460 (VCV004869460.1).
Genomic context (GRCh38, chr5:138,827,538, plus strand): 5'-AGATGAGTACTAACATTCGGTAATACTTTCTCTGCAGAAACAAATCATTGTGGACCCCTT[G>T]AGCTTCAGCGAGGAGCGCTTTAGGCCTTCCCTGGAGGAGCGTCTGGAAAGCATCATTAGT-3'
Protein context (NP_001894.2, residues 284-304): NFDKQIIVDP[Leu294Phe]SFSEERFRPS